The following is an entry in ClinVar:

ClinVar aggregate classification (germline): Uncertain significance (1 of 4 stars; one submission).

Conditions:
Spastic ataxia 2. Also called: Ataxia, spastic, 2, autosomal recessive. Identifiers: Orphanet 397946, MedGen C1969796, MONDO:0012651, OMIM 611302.

Submission:

Labcorp Genetics (formerly Invitae), Labcorp
Classification: Uncertain significance for Spastic ataxia 2. Last evaluated: 2022-10-25. Review status: criteria provided, single submitter. Criteria: Invitae Variant Classification Sherloc (09022015). Collection method: clinical testing. Allele origin: germline.
Comment: This sequence change replaces glutamic acid, which is acidic and polar, with glutamine, which is neutral and polar, at codon 883 of the KIF1C protein (p.Glu883Gln). Information on the frequency of this variant in the gnomAD database is not available, as this variant may be reported differently in the database. This variant has not been reported in the literature in individuals affected with KIF1C-related conditions. Experimental studies and prediction algorithms are not available or were not evaluated, and the functional significance of this variant is currently unknown. In summary, the available evidence is currently insufficient to determine the role of this variant in disease. Therefore, it has been classified as a Variant of Uncertain Significance.

NM_006612.6(KIF1C):c.2646_2647delinsCC (p.Glu883Gln)

Gene: KIF1C (kinesin family member 1C; plus strand). Cytogenetic location: 17p13.2.
Variant type: Indel.
Coding change: c.2646_2647delinsCC on transcript NM_006612.6 (MANE Select); coding-DNA positions 2646 to 2647, TG replaced by CC.
Protein change: p.Glu883Gln; replaces glutamic acid 883 with glutamine.
Molecular consequence: missense variant.
Genome position (GRCh38, 1-based): chr17:5,023,485-5,023,486, TG replaced by CC. VCF-style: chr17-5023485-TG-CC. GRCh37 (hg19) VCF-style: chr17-4926780-TG-CC.
Other names: short protein forms E883Q.
Identifiers: ClinVar variation 2042098 (VCV002042098.1), dbSNP rs2508219381, ClinGen allele CA2580093527.